The following is an entry in ClinVar:

ClinVar aggregate classification (germline): Benign (3 of 4 stars; one submission).

Conditions:
Breast-ovarian cancer, familial, susceptibility to, 1 (BROVCA1). Also called: BRCA1 Hereditary Breast and Ovarian Cancer; OVARIAN CANCER, SUSCEPTIBILITY TO. Identifiers: Orphanet 145, MedGen C2676676, MONDO:0011450, OMIM 604370. Disease mechanism: loss of function.

Allele frequency attached by ClinVar (database versions not stated): TOPMed 0.27978; gnomAD 0.29199; 1000 Genomes Project 0.32987.
gnomAD v4.1: 44,649 of 150,984 alleles (30%); highest among the groups gnomAD compares: South Asian, 48%; 7,054 homozygotes.

Submission:

Evidence-based Network for the Interpretation of Germline Mutant Alleles (ENIGMA)
Classification: Benign for Breast-ovarian cancer, familial 1. Last evaluated: 2015-01-12. Review status: reviewed by expert panel. Criteria: ENIGMA BRCA1/2 Classification Criteria (2015). Collection method: curation. Allele origin: germline.
Comment: Class 1 not pathogenic based on frequency >1% in an outbred sampleset. Frequency 0.3182 (Asian), 0.128 (African), 0.3377 (European), derived from 1000 genomes (2012-04-30).

NM_007294.4(BRCA1):c.4675+567T>A

Gene: BRCA1 (BRCA1 DNA repair associated; minus strand). Cytogenetic location: 17q21.31.
Variant type: single nucleotide variant.
Coding change: c.4675+567T>A on transcript NM_007294.4 (MANE Select); 567 bases into the intron after coding-DNA position 4675, T replaced by A.
Molecular consequence: intron variant.
Genome position (GRCh38, 1-based): chr17:43,073,764, A>T on the plus strand (T>A on the coding strand, the complement: BRCA1 is on the minus strand). VCF-style: chr17-43073764-A-T. GRCh37 (hg19) VCF-style: chr17-41225781-A-T.
Other names: IVS 15+567T>A; c.4528+567T>A (NM_001407841.1, NM_001407838.1, NM_001407848.1 and 12 more transcripts); c.4468+567T>A (NM_001407874.1, NM_001407875.1); c.1285+567T>A (NM_001408416.1, NM_001408414.1, NM_001408415.1 and 2 more transcripts); c.4462+567T>A (NM_001407571.1, NM_001407907.1, NM_001407902.1 and 12 more transcripts); c.4339+567T>A (NM_001407950.1, NM_001407953.1, NM_001407955.1 and 3 more transcripts); c.4342+567T>A (NM_001407948.1, NM_001407947.1, NM_001407949.1 and 1 more transcripts); c.1153+567T>A (NM_001408484.1, NM_001408485.1, NM_001408483.1 and 5 more transcripts); and 72 more.
Identifiers: ClinVar variation 209368 (VCV000209368.2), dbSNP rs8176216, ClinGen allele CA276340.
Genomic context (GRCh38, chr17:43,073,764, plus strand): 5'-GGCCTTTGGACTCTTGTCTAACAGTTGAAATAAAATATATGTGTGTATATATATATATAT[A>T]TATTTTTTGAGATGGAGTCTTGCTCTGTCACCCAGACTGGAGTGCAGTGGTGTGATCTTG-3'